The following is an entry in ClinVar:

ClinVar aggregate classification (germline): Uncertain significance. Review status: criteria provided, single submitter (1 of 4 stars). 3 submissions from 3 submitters: Uncertain significance (1). 2 of the submissions do not count toward it. Last evaluated 2022-06-27.

Conditions:
PSEN1-related disorder. Also called: PSEN1-related condition.
Alzheimer disease 3 (AD3). Also called: ALZHEIMER DISEASE, FAMILIAL, 3. Identifiers: Orphanet 1020, MedGen C1843013, MONDO:0011913, OMIM 607822.
Acne inversa, familial, 3 (ACNINV3). Identifiers: MedGen C3151038, MONDO:0013398, OMIM 613737.
Frontotemporal dementia (FTD1). Also called: Frontotemporal Dementia with Parkinsonism-17 (FTDP-17); FRONTOTEMPORAL DEMENTIA WITH PARKINSONISM; FRONTOTEMPORAL LOBE DEMENTIA; MULTIPLE SYSTEM TAUOPATHY WITH PRESENILE DEMENTIA; Dementia, frontotemporal, with or without parkinsonism; WILHELMSEN-LYNCH DISEASE. Identifiers: Orphanet 282, MedGen C0338451, MONDO:0017276, OMIM 600274, HP:0002145.
Pick disease. Also called: PICK DISEASE OF BRAIN; DEMENTIA WITH LOBAR ATROPHY AND NEURONAL CYTOPLASMIC INCLUSIONS; LOBAR ATROPHY OF BRAIN; Pick's disease; Pick Disease of the Brain. Identifiers: Orphanet 282, MedGen C0236642, MONDO:0008243, OMIM 172700.

Allele frequency attached by ClinVar (database versions not stated): TOPMed below 0.00001; ExAC 0.00001; gnomAD exomes 0.00001.
gnomAD v4.1: 8 of 1,614,234 alleles (0.0005%); highest among the groups gnomAD compares: Admixed American, 0.005%; no homozygotes.

Submissions (3):

Labcorp Genetics (formerly Invitae), Labcorp
Classification: Uncertain significance for Alzheimer disease 3; Pick disease; Acne inversa, familial, 3; Frontotemporal dementia. Last evaluated: 2022-06-27. Review status: criteria provided, single submitter. Criteria: Invitae Variant Classification Sherloc (09022015). Collection method: clinical testing. Allele origin: germline.
Comment: Experimental studies have shown that this missense change affects PSEN1 function (PMID: 27930341). In summary, the available evidence is currently insufficient to determine the role of this variant in disease. Therefore, it has been classified as a Variant of Uncertain Significance. Advanced modeling of protein sequence and biophysical properties (such as structural, functional, and spatial information, amino acid conservation, physicochemical variation, residue mobility, and thermodynamic stability) performed at Invitae indicates that this missense variant is expected to disrupt PSEN1 protein function. ClinVar contains an entry for this variant (Variation ID: 98008). This missense change has been observed in individual(s) with early-onset Alzheimer disease (PMID: 11568920). This variant is present in population databases (rs63750831, gnomAD 0.003%). This sequence change replaces valine, which is neutral and non-polar, with methionine, which is neutral and non-polar, at codon 94 of the PSEN1 protein (p.Val94Met).

PreventionGenetics, part of Exact Sciences
Classification: Uncertain significance for PSEN1-related condition. Last evaluated: 2024-06-27. Review status: no assertion criteria provided. Collection method: clinical testing. Allele origin: germline. Not counted in ClinVar's aggregate classification.
Comment: The PSEN1 c.280G>A variant is predicted to result in the amino acid substitution p.Val94Met. This variant has been reported in an individual with early-onset Alzheimer disease (Arango et al. 2001. PubMed ID: 11568920). An in vitro functional study demonstrated that expression of this variant negatively affected the combined production of Aβ42 and Aβ40 compared to wildtype (Figure 3, Sun et al. 2016. PubMed ID: 27930341). This variant is reported in 0.0029% of alleles in individuals of Latino descent in gnomAD. Although we suspect that this variant may be pathogenic, at this time, the clinical significance of this variant is uncertain due to the absence of conclusive functional and genetic evidence.

VIB  Department of Molecular Genetics, University of Antwerp
No classification provided. Review status: no classification provided. Collection method: not provided. Allele origin: not provided. Not counted in ClinVar's aggregate classification.

Literature cited by the submitters: PubMed 27930341 (cited by Labcorp Genetics (formerly Invitae), Labcorp); PubMed 11568920 (cited by Labcorp Genetics (formerly Invitae), Labcorp).

NM_000021.4(PSEN1):c.280G>A (p.Val94Met)

Gene: PSEN1 (presenilin 1; plus strand). Cytogenetic location: 14q24.2.
Variant type: single nucleotide variant.
Coding change: c.280G>A on transcript NM_000021.4 (MANE Select); coding-DNA position 280, G replaced by A.
Protein change: p.Val94Met; replaces valine 94 with methionine.
Molecular consequence: missense variant.
Genome position (GRCh38, 1-based): chr14:73,170,989, G>A. VCF-style: chr14-73170989-G-A. GRCh37 (hg19) VCF-style: chr14-73637697-G-A.
Other names: c.268G>A, p.Val90Met (NM_007318.3); c.280G>A (NM_000021.3); short protein forms V94M, V90M.
Identifiers: ClinVar variation 98008 (VCV000098008.8), dbSNP rs63750831, ClinGen allele CA224990.
Genomic context (GRCh38, chr14:73,170,989, plus strand): 5'-ACATTGAAATATGGCGCCAAGCATGTGATCATGCTCTTTGTCCCTGTGACTCTCTGCATG[G>A]TGGTGGTCGTGGCTACCATTAAGTCAGTCAGCTTTTATACCCGGAAGGATGGGCAGCTGT-3'
Protein context (NP_000012.1, residues 84-104): MLFVPVTLCM[Val94Met]VVVATIKSVS